The following is an entry in ClinVar:

ClinVar aggregate classification (germline): Benign. Review status: criteria provided, multiple submitters, no conflicts (2 of 4 stars). 2 submissions from 2 submitters: Benign (2). Last evaluated 2018-01-13.

Conditions:
Retinitis pigmentosa (RP). Identifiers: Orphanet 791, MedGen C0035334, MeSH D012174, MONDO:0019200, OMIM 268000. Inheritance: Autosomal dominant, autosomal recessive and X linked inheritance.

Allele frequency attached by ClinVar (database versions not stated): 1000 Genomes Project 30x 0.40803; 1000 Genomes Project 0.41713; TOPMed 0.48248; gnomAD 0.50091 and 0.50285; gnomAD exomes 0.62296.
gnomAD v4.1: 224,597 of 390,378 alleles (58%); highest among the groups gnomAD compares: Non-Finnish European, 67%; 69,977 homozygotes.

Submissions (2):

Illumina Laboratory Services, Illumina
Classification: Benign for Retinitis pigmentosa. Last evaluated: 2018-01-13. Review status: criteria provided, single submitter. Criteria: ICSL Variant Classification Criteria 13 December 2019. Collection method: clinical testing. Allele origin: germline.
Comment: This variant was observed in the ICSL laboratory as part of a predisposition screen in an ostensibly healthy population. It had not been previously curated by ICSL or reported in the Human Gene Mutation Database (HGMD: prior to June 1st, 2018), and was therefore a candidate for classification through an automated scoring system. Utilizing variant allele frequency, disease prevalence and penetrance estimates, and inheritance mode, an automated score was calculated to assess if this variant is too frequent to cause the disease. Based on the score and internal cut-off values, a variant classified as benign is not then subjected to further curation. The score for this variant resulted in a classification of benign for this disease.

Breakthrough Genomics
Classification: Benign. Review status: criteria provided, single submitter. Criteria: ACMG Guidelines, 2015. Collection method: not provided. Allele origin: germline. Inheritance: Autosomal dominant inheritance. Affected: yes.

NM_001354768.3(NRL):c.*221G>A

Gene: NRL (neural retina leucine zipper; minus strand). Cytogenetic location: 14q11.2.
Variant type: single nucleotide variant.
Coding change: c.*221G>A on transcript NM_001354768.3 (MANE Select); 221 bases downstream of the stop codon, G replaced by A.
Molecular consequence: 3 prime UTR variant.
Genome position (GRCh38, 1-based): chr14:24,081,015, C>T on the plus strand (G>A on the coding strand, the complement: NRL is on the minus strand). VCF-style: chr14-24081015-C-T. GRCh37 (hg19) VCF-style: chr14-24550224-C-T.
Other names: c.*221G>A (NM_001354769.1, NM_001354770.2, NM_006177.5).
Identifiers: ClinVar variation 312935 (VCV000312935.6), dbSNP rs3561, ClinGen allele CA10644024.